The following is an entry in ClinVar:

NM_001378615.1(CC2D2A):c.434_435del (p.Thr145fs)

Genes: CC2D2A (coiled-coil and C2 domain containing 2A; plus strand), FBXL5 (F-box and leucine rich repeat protein 5; minus strand). Cytogenetic location: 4p15.32.
Variant type: Microsatellite.
Coding change: c.434_435del on transcript NM_001378615.1 (MANE Select); coding-DNA positions 434 to 435, 2 bases deleted (CA; older notation c.434_435delCA).
Protein change: p.Thr145fs; shifts the reading frame from threonine 145.
Molecular consequence: frameshift variant.
Genome position (GRCh38, 1-based): chr4:15,502,919-15,502,920, CA deleted; deleting any 2 consecutive bases within chr4:15,502,917-15,502,920 gives the same sequence; the c. name uses the placement nearest the transcript's 3' end. VCF-style (leftmost placement, unchanged base first): chr4-15502916-GCA-G. GRCh37 (hg19) VCF-style: chr4-15504539-GCA-G.
Other names: c.434_435del, p.Thr145fs (NM_001080522.2); c.287_288del, p.Thr96fs (NM_001378617.1); short protein forms T145fs, T96fs.
Identifiers: ClinVar variation 5014448 (VCV005014448.1).

ClinVar aggregate classification (germline): Pathogenic (1 of 4 stars; one submission).

Conditions:
Joubert syndrome and related disorders. Identifiers: Orphanet 140874, MedGen C5679612, MONDO:0015369.

Submission:

Myriad Genetics, Inc.
Classification: Pathogenic for Joubert syndrome and related disorders. Last evaluated: 2025-05-15. Review status: criteria provided, single submitter. Criteria: Myriad Autosomal Dominant, Autosomal Recessive and X-Linked Classification Criteria (2023). Collection method: clinical testing. Allele origin: unknown.
Comment: NM_001080522.2(CC2D2A):c.434_435delCA(T145Rfs*14) is expected to be pathogenic in the context of CC2D2A-related disorders. This variant is predicted to lead to an abnormal or absent protein product due to the creation of a premature termination codon in CC2D2A, a gene where loss-of-function variants are known to be pathogenic. Please note: this variant was assessed in the context of healthy population screening.